The following is an entry in ClinVar:

NM_020458.4(TTC7A):c.300C>T (p.Ser100=)

Gene: TTC7A (tetratricopeptide repeat domain 7A; plus strand). Cytogenetic location: 2p21.
Variant type: single nucleotide variant.
Coding change: c.300C>T on transcript NM_020458.4 (MANE Select); coding-DNA position 300, C replaced by T.
Protein change: p.Ser100=; no amino-acid change (serine 100 retained).
Molecular consequence: synonymous variant. On other transcripts: 5 prime UTR variant (1).
Genome position (GRCh38, 1-based): chr2:46,950,478, C>T. VCF-style: chr2-46950478-C-T. GRCh37 (hg19) VCF-style: chr2-47177617-C-T.
Other names: p.Ser100=; c.300C>T, p.Ser100= (NM_001288951.2); c.198C>T, p.Ser66= (NM_001288953.2); c.-605C>T (NM_001288955.2).
Identifiers: ClinVar variation 284146 (VCV000284146.21), dbSNP rs61738825, ClinGen allele CA1647081.

ClinVar aggregate classification (germline): Benign. Review status: criteria provided, multiple submitters, no conflicts (2 of 4 stars). 7 submissions from 7 submitters: Benign (7). Last evaluated 2026-02-04.

Conditions:
Multiple gastrointestinal atresias. Also called: Multiple intestinal atresia; FAMILIAL INTESTINAL POLYATRESIA SYNDROME. Identifiers: Orphanet 2300, MedGen C0220744, MONDO:0009465.

Allele frequency attached by ClinVar (database versions not stated): 1000 Genomes Project 0.05072; 1000 Genomes Project 30x 0.05497; TOPMed 0.07089; ESP Exome Variant Server 0.07712; gnomAD 0.07730 and 0.07874; gnomAD exomes 0.08367 and 0.09715; ExAC 0.08448.
gnomAD v4.1: 153,575 of 1,613,934 alleles (9.5%); highest among the groups gnomAD compares: Non-Finnish European, 10%; 8,074 homozygotes.

Submissions (7):

Labcorp Genetics (formerly Invitae), Labcorp
Classification: Benign for Multiple gastrointestinal atresias. Last evaluated: 2026-02-04. Review status: criteria provided, single submitter. Criteria: Invitae Variant Classification Sherloc (09022015). Collection method: clinical testing. Allele origin: germline.

Blueprint Genetics
Classification: Benign. Last evaluated: 2024-11-26. Review status: criteria provided, single submitter. Criteria: ACMG Guidelines, 2015. Collection method: clinical testing. Allele origin: germline.

GeneDx
Classification: Benign. Last evaluated: 2018-07-09. Review status: criteria provided, single submitter. Criteria: GeneDx Variant Classification Process June 2021. Collection method: clinical testing. Allele origin: germline. Affected: yes.

Mayo Clinic Laboratories, Mayo Clinic
Classification: Benign. Last evaluated: 2018-05-25. Review status: criteria provided, single submitter. Criteria: ACMG Guidelines, 2015. Collection method: clinical testing. Allele origin: germline. Observed: 79 variant alleles.

Laboratory for Molecular Medicine, Mass General Brigham Personalized Medicine
Classification: Benign. Last evaluated: 2016-03-29. Review status: criteria provided, single submitter. Criteria: LMM Criteria. Collection method: clinical testing. Allele origin: germline.
Comment: Variant identified in a genome or exome case(s) and assessed due to predicted null impact of the variant or pathogenic assertions in the literature or databases. Disclaimer: This variant has not undergone full assessment. The following are preliminary notes: Frequency

Eurofins Ntd Llc (ga)
Classification: Benign. Last evaluated: 2015-10-13. Review status: criteria provided, single submitter. Criteria: EGL Classification Definitions 2015. Collection method: clinical testing. Allele origin: germline. Observed: 1 variant allele, 1 heterozygote.

Breakthrough Genomics
Classification: Benign. Review status: criteria provided, single submitter. Criteria: ACMG Guidelines, 2015. Collection method: not provided. Allele origin: germline. Inheritance: Autosomal recessive inheritance. Affected: yes.